The following is an entry in ClinVar:

NM_001378183.1(PIEZO2):c.8078C>T (p.Pro2693Leu)

Gene: PIEZO2 (piezo type mechanosensitive ion channel component 2; minus strand). Cytogenetic location: 18p11.22.
Variant type: single nucleotide variant.
Coding change: c.8078C>T on transcript NM_001378183.1 (MANE Select); coding-DNA position 8078, C replaced by T.
Protein change: p.Pro2693Leu; replaces proline 2693 with leucine.
Molecular consequence: missense variant.
Genome position (GRCh38, 1-based): chr18:10,677,750, G>A on the plus strand (C>T on the coding strand, the complement: PIEZO2 is on the minus strand). VCF-style: chr18-10677750-G-A. GRCh37 (hg19) VCF-style: chr18-10677747-G-A.
Other names: c.7814C>T, p.Pro2605Leu (NM_001410871.1); c.7739C>T, p.Pro2580Leu (NM_022068.4); short protein forms P2580L, P2605L, P2693L.
Identifiers: ClinVar variation 3365840 (VCV003365840.1).
Genomic context (GRCh38, chr18:10,677,750, plus strand): 5'-TTTGTACCAGCTGCATATACCTAACAAAGCTCTATTAGTAGGAAAAAATACACTTACACT[G>A]GTGTTTTTGAACTTTCTGTGCTGTTGCCTGCTATCATTTTAGCGATATTCTTTCGAGTAA-3'
Protein context (NP_001365112.1, residues 2683-2703): AGNSTESSKT[Pro2693Leu]VTIEKIYPYY

ClinVar aggregate classification (germline): Uncertain significance (1 of 4 stars; one submission).

gnomAD v4.1: 1 of 1,608,346 alleles (0.000062%); highest among the groups gnomAD compares: Non-Finnish European, 0.000085%; no homozygotes.

Submission:

GeneDx
Classification: Uncertain significance. Last evaluated: 2023-12-19. Review status: criteria provided, single submitter. Criteria: GeneDx Variant Classification Process June 2021. Collection method: clinical testing. Allele origin: germline. Affected: yes.
Comment: Not observed at significant frequency in large population cohorts (gnomAD); In silico analysis supports that this missense variant has a deleterious effect on protein structure/function; Has not been previously published as pathogenic or benign to our knowledge